The following is an entry in ClinVar:

NM_014679.5(CEP57):c.493T>G (p.Leu165Val)

Gene: CEP57 (centrosomal protein 57; plus strand). Cytogenetic location: 11q21.
Variant type: single nucleotide variant.
Coding change: c.493T>G on transcript NM_014679.5 (MANE Select); coding-DNA position 493, T replaced by G.
Protein change: p.Leu165Val; replaces leucine 165 with valine.
Molecular consequence: missense variant.
Genome position (GRCh38, 1-based): chr11:95,813,578, T>G. VCF-style: chr11-95813578-T-G. GRCh37 (hg19) VCF-style: chr11-95546742-T-G.
Other names: c.466T>G, p.Leu156Val (NM_001243776.2); c.493T>G, p.Leu165Val (NM_001243777.2); c.412T>G, p.Leu138Val (NM_001363604.2); short protein forms L138V, L156V, L165V.
Identifiers: ClinVar variation 3831975 (VCV003831975.1).
Genomic context (GRCh38, chr11:95,813,578, plus strand): 5'-AAACAATTGGAATACATGCGAAATATGATAAAGCATGCCGAAATGGAGAGGACATCTGTC[T>G]TAGAGAAACAAGTAAGTAAAGCACCTCACAGATTGATACTCAAGAACAGTTATGGGGAAA-3'
Protein context (NP_055494.2, residues 155-175): KHAEMERTSV[Leu165Val]EKQVSLERER

ClinVar aggregate classification (germline): Uncertain significance (1 of 4 stars; one submission).

Conditions:
Inborn genetic diseases. Identifiers: MedGen C0950123, MeSH D030342.

Submission:

Ambry Genetics
Classification: Uncertain significance for Inborn genetic diseases. Last evaluated: 2025-01-25. Review status: criteria provided, single submitter. Criteria: Ambry Variant Classification Scheme 2023. Collection method: clinical testing. Allele origin: germline.
Comment: The p.L165V variant (also known as c.493T>G), located in coding exon 4 of the CEP57 gene, results from a T to G substitution at nucleotide position 493. The leucine at codon 165 is replaced by valine, an amino acid with highly similar properties. This amino acid position is conserved. In addition, the in silico prediction for this alteration is inconclusive. Based on the available evidence, the clinical significance of this variant remains unclear.